The following is an entry in ClinVar:

NM_001127649.3(PEX26):c.506T>C (p.Leu169Pro)

Gene: PEX26 (peroxisomal biogenesis factor 26; plus strand). Cytogenetic location: 22q11.21.
Variant type: single nucleotide variant.
Coding change: c.506T>C on transcript NM_001127649.3 (MANE Select); coding-DNA position 506, T replaced by C.
Protein change: p.Leu169Pro; replaces leucine 169 with proline.
Molecular consequence: missense variant.
Genome position (GRCh38, 1-based): chr22:18,083,571, T>C. VCF-style: chr22-18083571-T-C. GRCh37 (hg19) VCF-style: chr22-18566337-T-C.
Other names: c.506T>C, p.Leu169Pro (NM_001199319.2, NM_017929.6); short protein forms L169P.
Identifiers: ClinVar variation 958721 (VCV000958721.14), dbSNP rs768604587, ClinGen allele CA10093341.
Genomic context (GRCh38, chr22:18,083,571, plus strand): 5'-CCAATCAAAACCTTCCAGAATATGGAGCCTTGGCAGAATTTCACGTGCAGCGGGTGCTGC[T>C]GCCTCTGGGCTGCTTATCGGAGGCTGAGGAGCTAGTGGTGGGCTCTGCAGCCTTTGGTGA-3'
Protein context (NP_001121121.1, residues 159-179): LAEFHVQRVL[Leu169Pro]PLGCLSEAEE

ClinVar aggregate classification (germline): Uncertain significance. Review status: criteria provided, multiple submitters, no conflicts (2 of 4 stars). 3 submissions from 3 submitters: Uncertain significance (2). 1 of the submissions does not count toward it. Last evaluated 2026-01-26.

Conditions:
Heimler syndrome 1 (HMLR1). Also called: PEROXISOME BIOGENESIS DISORDER 1C. Identifiers: Orphanet 3220, MedGen C4551980, OMIM 234580, MONDO:0024544.
Peroxisome biogenesis disorder 7A (Zellweger). Also called: Peroxisome biogenesis disorder 7A. Identifiers: Orphanet 912, MedGen C3888385, MONDO:0013938, OMIM 614872.
Peroxisome biogenesis disorder 7B (PBD7B). Identifiers: Orphanet 44, MedGen C3553951, MONDO:0013939, OMIM 614873.

Allele frequency attached by ClinVar (database versions not stated): ExAC 0.00001; gnomAD 0.00001; gnomAD exomes 0.00001.

Submissions (3):

Labcorp Genetics (formerly Invitae), Labcorp
Classification: Uncertain significance for Peroxisome biogenesis disorder 7A (Zellweger); Peroxisome biogenesis disorder 7B. Last evaluated: 2026-01-26. Review status: criteria provided, single submitter. Criteria: Invitae Variant Classification Sherloc (09022015). Collection method: clinical testing. Allele origin: germline.
Comment: This sequence change replaces leucine, which is neutral and non-polar, with proline, which is neutral and non-polar, at codon 169 of the PEX26 protein (p.Leu169Pro). This variant is present in population databases (rs768604587, gnomAD 0.006%). This missense change has been observed in individual(s) with Heimler syndrome (PMID: 33926089). ClinVar contains an entry for this variant (Variation ID: 958721). Invitae Evidence Modeling of protein sequence and biophysical properties (such as structural, functional, and spatial information, amino acid conservation, physicochemical variation, residue mobility, and thermodynamic stability) indicates that this missense variant is expected to disrupt PEX26 protein function with a positive predictive value of 95%. Experimental studies have shown that this missense change affects PEX26 function (PMID: 33926089). In summary, the available evidence is currently insufficient to determine the role of this variant in disease. Therefore, it has been classified as a Variant of Uncertain Significance.

Women's Health and Genetics/Laboratory Corporation of America, LabCorp
Classification: Uncertain significance. Last evaluated: 2025-04-28. Review status: criteria provided, single submitter. Criteria: LabCorp Variant Classification Summary - May 2015. Collection method: clinical testing. Allele origin: germline.
Comment: Variant summary: PEX26 c.506T>C (p.Leu169Pro) results in a non-conservative amino acid change in the encoded protein sequence. Five of five in-silico tools predict a damaging effect of the variant on protein function. The variant allele was found at a frequency of 8e-06 in 251186 control chromosomes. The available data on variant occurrences in the general population are insufficient to allow any conclusion about variant significance. To our knowledge, c.506T>C has not been observed in individual(s) affected with Zellweger Syndrome. One publication reports experimental evidence evaluating an impact on protein function showing the variant results in moderately reduced catalase uptake, however, does not allow convincing conclusions about the variant effect (e.g. Kim_2021). The following publication has been ascertained in the context of this evaluation (PMID: 33926089). ClinVar contains an entry for this variant (Variation ID: 958721). Based on the evidence outlined above, the variant was classified as uncertain significance.

Dental Genetics Laboratory, Seoul National University School of Dentistry
Classification: Uncertain significance for Heimler syndrome. Review status: no assertion criteria provided. Collection method: clinical testing. Allele origin: inherited. Inheritance: Autosomal recessive inheritance. Affected: yes. Not counted in ClinVar's aggregate classification.

Literature cited by the submitters: PubMed 33926089 (cited by Labcorp Genetics (formerly Invitae), Labcorp and Women's Health and Genetics/Laboratory Corporation of America, LabCorp).